The following is an entry in ClinVar:

NM_001365276.2(TNXB):c.9575G>C (p.Arg3192Pro)

Gene: TNXB (tenascin XB; minus strand). Cytogenetic location: 6p21.33.
Variant type: single nucleotide variant.
Coding change: c.9575G>C on transcript NM_001365276.2 (MANE Select); coding-DNA position 9575, G replaced by C.
Protein change: p.Arg3192Pro; replaces arginine 3192 with proline.
Molecular consequence: missense variant.
Genome position (GRCh38, 1-based): chr6:32,049,452, C>G on the plus strand (G>C on the coding strand, the complement: TNXB is on the minus strand). VCF-style: chr6-32049452-C-G. GRCh37 (hg19) VCF-style: chr6-32017229-C-G.
Other names: c.10316G>C, p.Arg3439Pro (NM_001428335.1); c.9569G>C, p.Arg3190Pro (NM_019105.8); short protein forms R3190P, R3439P, R3192P.
Identifiers: ClinVar variation 4188727 (VCV004188727.1).

ClinVar aggregate classification (germline): Uncertain significance (1 of 4 stars; one submission).

Conditions:
Cardiovascular phenotype. Identifiers: MedGen CN230736.

gnomAD v4.1: 2 of 1,612,662 alleles (0.00012%); highest among the groups gnomAD compares: Non-Finnish European, 0.00017%; no homozygotes.

Submission:

Ambry Genetics
Classification: Uncertain significance for Cardiovascular phenotype. Last evaluated: 2025-08-28. Review status: criteria provided, single submitter. Criteria: Ambry Variant Classification Scheme 2023. Collection method: clinical testing. Allele origin: germline.
Comment: The p.R3190P variant (also known as c.9569G>C), located in coding exon 27 of the TNXB gene, results from a G to C substitution at nucleotide position 9569. The arginine at codon 3190 is replaced by proline, an amino acid with dissimilar properties. This amino acid position is conserved. In addition, this alteration is predicted to be tolerated by in silico analysis. Based on the available evidence, the clinical significance of this variant remains unclear.